The following is an entry in ClinVar:

ClinVar aggregate classification (germline): Likely benign. Review status: criteria provided, single submitter (1 of 4 stars). 2 submissions from 2 submitters: Likely benign (1). 1 of the submissions does not count toward it. Last evaluated 2024-12-23.

Conditions:
FKBP10-related disorder. Also called: FKBP10-related condition.

Allele frequency attached by ClinVar (database versions not stated): gnomAD 0.00001; ExAC 0.00002; gnomAD exomes 0.00002; TOPMed 0.00002.
gnomAD v4.1: 34 of 1,613,630 alleles (0.0021%); highest among the groups gnomAD compares: Non-Finnish European, 0.0026%; no homozygotes.

Submissions (2):

Labcorp Genetics (formerly Invitae), Labcorp
Classification: Likely benign. Last evaluated: 2024-12-23. Review status: criteria provided, single submitter. Criteria: Invitae Variant Classification Sherloc (09022015). Collection method: clinical testing. Allele origin: germline.

PreventionGenetics, part of Exact Sciences
Classification: Likely benign for FKBP10-related condition. Last evaluated: 2019-06-18. Review status: no assertion criteria provided. Collection method: clinical testing. Allele origin: germline. Not counted in ClinVar's aggregate classification.
Comment: This variant is classified as likely benign based on ACMG/AMP sequence variant interpretation guidelines (Richards et al. 2015 PMID: 25741868, with internal and published modifications).

NM_021939.4(FKBP10):c.567C>G (p.Thr189=)

Gene: FKBP10 (FKBP prolyl isomerase 10; plus strand). Cytogenetic location: 17q21.2.
Variant type: single nucleotide variant.
Coding change: c.567C>G on transcript NM_021939.4 (MANE Select); coding-DNA position 567, C replaced by G.
Protein change: p.Thr189=; no amino-acid change (threonine 189 retained).
Molecular consequence: synonymous variant.
Genome position (GRCh38, 1-based): chr17:41,818,264, C>G. VCF-style: chr17-41818264-C-G. GRCh37 (hg19) VCF-style: chr17-39974516-C-G.
Identifiers: ClinVar variation 2990972 (VCV002990972.5), dbSNP rs782684364, ClinGen allele CA8566278.